The following is an entry in ClinVar:

ClinVar aggregate classification (germline): Uncertain significance (1 of 4 stars; one submission).

Conditions:
Dilated cardiomyopathy 1G (CMD1G). Identifiers: Orphanet 154, MedGen C1858763, MONDO:0011400, OMIM 604145.
Autosomal recessive limb-girdle muscular dystrophy type 2J (LGMDR10). Also called: MUSCULAR DYSTROPHY, LIMB-GIRDLE, AUTOSOMAL RECESSIVE 10; Limb-girdle muscular dystrophy, type 2J. Identifiers: Orphanet 140922, MedGen C1837342, MONDO:0012127, OMIM 608807.

Submission:

Labcorp Genetics (formerly Invitae), Labcorp
Classification: Uncertain significance for Dilated cardiomyopathy 1G; Autosomal recessive limb-girdle muscular dystrophy type 2J. Last evaluated: 2022-09-07. Review status: criteria provided, single submitter. Criteria: Invitae Variant Classification Sherloc (09022015). Collection method: clinical testing. Allele origin: germline.
Comment: In summary, the available evidence is currently insufficient to determine the role of this variant in disease. Therefore, it has been classified as a Variant of Uncertain Significance. This variant is located in the M band of TTN (PMID: 25589632). Variants in this region may be relevant for neuromuscular disorders, but have not been definitively shown to cause cardiomyopathy (PMID: 23975875). Experimental studies and prediction algorithms are not available or were not evaluated, and the functional significance of this variant is currently unknown. ClinVar contains an entry for this variant (Variation ID: 863553). This variant has not been reported in the literature in individuals affected with TTN-related conditions. This variant is not present in population databases (gnomAD no frequency). This sequence change replaces threonine, which is neutral and polar, with serine, which is neutral and polar, at codon 35444 of the TTN protein (p.Thr35444Ser).

Literature cited by the submitters: PubMed 25589632; PubMed 23975875.

NM_001267550.2(TTN):c.106330A>T (p.Thr35444Ser)

Genes: TTN (titin; minus strand), TTN-AS1 (TTN antisense RNA 1; plus strand). Cytogenetic location: 2q31.2.
Variant type: single nucleotide variant.
Coding change: c.106330A>T on transcript NM_001267550.2 (MANE Select); coding-DNA position 106330, A replaced by T.
Protein change: p.Thr35444Ser; replaces threonine 35444 with serine.
Molecular consequence: missense variant.
Genome position (GRCh38, 1-based): chr2:178,530,285, T>A on the plus strand (A>T on the coding strand, the complement: TTN is on the minus strand). VCF-style: chr2-178530285-T-A. GRCh37 (hg19) VCF-style: chr2-179395012-T-A.
Other names: c.101407A>T, p.Thr33803Ser (NM_001256850.1); c.79135A>T, p.Thr26379Ser (NM_003319.4); c.98626A>T, p.Thr32876Ser (NM_133378.4); c.79510A>T, p.Thr26504Ser (NM_133432.3); c.79711A>T, p.Thr26571Ser (NM_133437.4); short protein forms T26571S, T32876S, T33803S, T35444S, T26379S, T26504S.
Identifiers: ClinVar variation 863553 (VCV000863553.10), dbSNP rs1688516881, ClinGen allele CA349406045.